The following is an entry in ClinVar:

NM_001017995.3(SH3PXD2B):c.2395C>T (p.Leu799Phe)

Gene: SH3PXD2B (SH3 and PX domains 2B; minus strand). Cytogenetic location: 5q35.1.
Variant type: single nucleotide variant.
Coding change: c.2395C>T on transcript NM_001017995.3 (MANE Select); coding-DNA position 2395, C replaced by T.
Protein change: p.Leu799Phe; replaces leucine 799 with phenylalanine.
Molecular consequence: missense variant. On other transcripts: intron variant (1).
Genome position (GRCh38, 1-based): chr5:172,338,710, G>A on the plus strand (C>T on the coding strand, the complement: SH3PXD2B is on the minus strand). VCF-style: chr5-172338710-G-A. GRCh37 (hg19) VCF-style: chr5-171765714-G-A.
Other names: c.1188+7426C>T (NM_001308175.2); short protein forms L799F.
Identifiers: ClinVar variation 352802 (VCV000352802.9), dbSNP rs562915075, ClinGen allele CA3560977.

ClinVar aggregate classification (germline): Uncertain significance. Review status: criteria provided, multiple submitters, no conflicts (2 of 4 stars). 3 submissions from 3 submitters: Uncertain significance (3). Last evaluated 2024-05-21.

Conditions:
Inborn genetic diseases. Identifiers: MedGen C0950123, MeSH D030342.
Frank-Ter Haar syndrome. Also called: BORRONE DERMATOCARDIOSKELETAL SYNDROME; TER HAAR SYNDROME; MELNICK-NEEDLES SYNDROME, AUTOSOMAL RECESSIVE; Borrone di Rocco Crovato syndrome. Identifiers: Orphanet 1266, Orphanet 137834, MedGen C1855305, MONDO:0009579, OMIM 249420.

Allele frequency attached by ClinVar (database versions not stated): gnomAD 0.00001 and 0.00003; TOPMed 0.00001; ExAC 0.00002; gnomAD exomes 0.00002.
gnomAD v4.1: 34 of 1,611,984 alleles (0.0021%); highest among the groups gnomAD compares: South Asian, 0.011%; no homozygotes.

Submissions (3):

Ambry Genetics
Classification: Uncertain significance for Inborn genetic diseases. Last evaluated: 2024-05-21. Review status: criteria provided, single submitter. Criteria: Ambry Variant Classification Scheme 2023. Collection method: clinical testing. Allele origin: germline.

Labcorp Genetics (formerly Invitae), Labcorp
Classification: Uncertain significance. Last evaluated: 2022-09-12. Review status: criteria provided, single submitter. Criteria: Invitae Variant Classification Sherloc (09022015). Collection method: clinical testing. Allele origin: germline.
Comment: This variant is present in population databases (rs562915075, gnomAD 0.01%). This sequence change replaces leucine, which is neutral and non-polar, with phenylalanine, which is neutral and non-polar, at codon 799 of the SH3PXD2B protein (p.Leu799Phe). This variant has not been reported in the literature in individuals affected with SH3PXD2B-related conditions. ClinVar contains an entry for this variant (Variation ID: 352802). Algorithms developed to predict the effect of missense changes on protein structure and function are either unavailable or do not agree on the potential impact of this missense change (SIFT: "Deleterious"; PolyPhen-2: "Possibly Damaging"; Align-GVGD: "Class C0"). In summary, the available evidence is currently insufficient to determine the role of this variant in disease. Therefore, it has been classified as a Variant of Uncertain Significance.

Illumina Laboratory Services, Illumina
Classification: Uncertain significance for Frank-Ter Haar syndrome. Last evaluated: 2018-01-12. Review status: criteria provided, single submitter. Criteria: ICSL Variant Classification Criteria 13 December 2019. Collection method: clinical testing. Allele origin: germline.